The following is an entry in ClinVar:

NM_015335.5(MED13L):c.3930C>G (p.Ser1310Arg)

Gene: MED13L (mediator complex subunit 13L; minus strand). Cytogenetic location: 12q24.21.
Variant type: single nucleotide variant.
Coding change: c.3930C>G on transcript NM_015335.5 (MANE Select); coding-DNA position 3930, C replaced by G.
Protein change: p.Ser1310Arg; replaces serine 1310 with arginine.
Molecular consequence: missense variant.
Genome position (GRCh38, 1-based): chr12:115,991,024, G>C on the plus strand (C>G on the coding strand, the complement: MED13L is on the minus strand). VCF-style: chr12-115991024-G-C. GRCh37 (hg19) VCF-style: chr12-116428829-G-C.
Other names: short protein forms S1310R.
Identifiers: ClinVar variation 2692560 (VCV002692560.1), dbSNP rs769509460, ClinGen allele CA386886013.
Genomic context (GRCh38, chr12:115,991,024, plus strand): 5'-AGTTATGATCATACCAAGATACTCCTCAAAGTAAATTTGTGTTCTGGGACACCTACCATT[G>C]CTGTGAGGCCAAGAGTGCACAGTGGCACTTCTCACCAGAGCTTCGTCCACTTTTCCACCA-3'
Protein context (NP_056150.1, residues 1300-1320): RSATVHSWPH[Ser1310Arg]NVLDISMLSS

ClinVar aggregate classification (germline): Uncertain significance (1 of 4 stars; one submission).

Submission:

Greenwood Genetic Center Diagnostic Laboratories, Greenwood Genetic Center
Classification: Uncertain significance. Last evaluated: 2023-10-20. Review status: criteria provided, single submitter. Criteria: ACMG Guidelines, 2015. Collection method: clinical testing. Allele origin: germline. Affected: yes.
Comment: PM2